The following is an entry in ClinVar:

ClinVar aggregate classification (germline): Pathogenic (1 of 4 stars; one submission).

Conditions:
Osteogenesis imperfecta type I (OI1). Also called: OI, TYPE I; OSTEOGENESIS IMPERFECTA TARDA; OSTEOGENESIS IMPERFECTA WITH BLUE SCLERAE; Osteogenesis imperfecta type 1; Lobstein's Disease; Lobstein disease. Identifiers: Orphanet 216796, Orphanet 666, MedGen C0023931, MONDO:0008146, OMIM 166200. Disease mechanism: loss of function.

Submission:

Laboratory of Genetic Skeletal Anomaly, Seoul National University Children's Hospital
Classification: Pathogenic for Osteogenesis imperfecta type I. Last evaluated: 2025-03-01. Review status: criteria provided, single submitter. Criteria: ACMG Guidelines, 2015. Collection method: research. Allele origin: germline. Affected: yes.
Comment: This variant is a novel variant not previously reported in the literature or population databases. It was classified based on available in silico predictions and absence from gnomAD.

NM_000088.4(COL1A1):c.339del (p.Lys114fs)

Gene: COL1A1 (collagen type I alpha 1 chain; minus strand). Cytogenetic location: 17q21.33.
Variant type: Deletion.
Coding change: c.339del on transcript NM_000088.4 (MANE Select); coding-DNA position 339, one base deleted (C; older notation c.339delC).
Protein change: p.Lys114fs; shifts the reading frame from lysine 114.
Molecular consequence: frameshift variant.
Genome position (GRCh38, 1-based): chr17:50,199,448, G deleted on the plus strand (C on the coding strand, the reverse complement: COL1A1 is on the minus strand); the first of 3 consecutive G bases (chr17:50,199,448-50,199,450); deleting any one gives the same sequence. VCF-style (leftmost placement, unchanged base first): chr17-50199447-TG-T. GRCh37 (hg19) VCF-style: chr17-48276808-TG-T.
Other names: c.339delC (NM_000088.4); short protein forms K114fs.
Identifiers: ClinVar variation 4280699 (VCV004280699.1).